The following is an entry in ClinVar:

NM_003906.5(MCM3AP):c.5456C>T (p.Ala1819Val)

Genes: MCM3AP (minichromosome maintenance complex component 3 associated protein; minus strand), MCM3AP-AS1 (MCM3AP antisense RNA 1; plus strand). Cytogenetic location: 21q22.3.
Variant type: single nucleotide variant.
Coding change: c.5456C>T on transcript NM_003906.5 (MANE Select); coding-DNA position 5456, C replaced by T.
Protein change: p.Ala1819Val; replaces alanine 1819 with valine.
Molecular consequence: missense variant. On other transcripts: non-coding transcript variant (4).
Genome position (GRCh38, 1-based): chr21:46,240,988, G>A on the plus strand (C>T on the coding strand, the complement: MCM3AP is on the minus strand). VCF-style: chr21-46240988-G-A. GRCh37 (hg19) VCF-style: chr21-47660902-G-A.
Other names: short protein forms A1819V.
Identifiers: ClinVar variation 1525959 (VCV001525959.8), dbSNP rs766062020, ClinGen allele CA10075844.

ClinVar aggregate classification (germline): Uncertain significance (1 of 4 stars; one submission).

Allele frequency attached by ClinVar (database versions not stated): gnomAD exomes below 0.00001; ExAC 0.00001.
gnomAD v4.1: 2 of 1,613,854 alleles (0.00012%); no homozygotes.

Submission:

Labcorp Genetics (formerly Invitae), Labcorp
Classification: Uncertain significance. Last evaluated: 2022-10-17. Review status: criteria provided, single submitter. Criteria: Invitae Variant Classification Sherloc (09022015). Collection method: clinical testing. Allele origin: germline.
Comment: This variant has not been reported in the literature in individuals affected with MCM3AP-related conditions. This variant is present in population databases (rs766062020, gnomAD 0.0009%). This sequence change replaces alanine, which is neutral and non-polar, with valine, which is neutral and non-polar, at codon 1819 of the MCM3AP protein (p.Ala1819Val). ClinVar contains an entry for this variant (Variation ID: 1525959). Algorithms developed to predict the effect of missense changes on protein structure and function (SIFT, PolyPhen-2, Align-GVGD) all suggest that this variant is likely to be tolerated. In summary, the available evidence is currently insufficient to determine the role of this variant in disease. Therefore, it has been classified as a Variant of Uncertain Significance.